The following is an entry in ClinVar:

NM_000742.4(CHRNA2):c.73G>A (p.Gly25Ser)

Gene: CHRNA2 (cholinergic receptor nicotinic alpha 2 subunit; minus strand). Cytogenetic location: 8p21.2.
Variant type: single nucleotide variant.
Coding change: c.73G>A on transcript NM_000742.4 (MANE Select); coding-DNA position 73, G replaced by A.
Protein change: p.Gly25Ser; replaces glycine 25 with serine.
Molecular consequence: missense variant. On other transcripts: 5 prime UTR variant (4).
Genome position (GRCh38, 1-based): chr8:27,470,986, C>T on the plus strand (G>A on the coding strand, the complement: CHRNA2 is on the minus strand). VCF-style: chr8-27470986-C-T. GRCh37 (hg19) VCF-style: chr8-27328503-C-T.
Other names: c.-400G>A (NM_001347706.2); c.-341G>A (NM_001347707.2); c.-389G>A (NM_001347708.2); c.73G>A, p.Gly25Ser (NM_001282455.2); c.-355G>A (NM_001347705.2); short protein forms G25S.
Identifiers: ClinVar variation 5017282 (VCV005017282.1).

ClinVar aggregate classification (germline): Uncertain significance (1 of 4 stars; one submission).

gnomAD v4.1: 1 of 1,614,080 alleles (0.000062%); no homozygotes.

Submission:

GeneDx
Classification: Uncertain significance. Last evaluated: 2026-03-31. Review status: criteria provided, single submitter. Criteria: GeneDx Variant Classification Process June 2021. Collection method: clinical testing. Allele origin: germline.
Comment: Not observed at significant frequency in large population cohorts (gnomAD); In silico analysis supports that this missense variant has a deleterious effect on protein structure/function; Has not been previously published as pathogenic or benign to our knowledge